The following is an entry in ClinVar:

NM_001844.5(COL2A1):c.2734G>A (p.Gly912Ser)

Gene: COL2A1 (collagen type II alpha 1 chain; minus strand). Cytogenetic location: 12q13.11.
Variant type: single nucleotide variant.
Coding change: c.2734G>A on transcript NM_001844.5 (MANE Select); coding-DNA position 2734, G replaced by A.
Protein change: p.Gly912Ser; replaces glycine 912 with serine.
Molecular consequence: missense variant.
Genome position (GRCh38, 1-based): chr12:47,978,758, C>T on the plus strand (G>A on the coding strand, the complement: COL2A1 is on the minus strand). VCF-style: chr12-47978758-C-T. GRCh37 (hg19) VCF-style: chr12-48372541-C-T.
Other names: c.2527G>A, p.Gly843Ser (NM_033150.3); short protein forms G843S, G912S.
Identifiers: ClinVar variation 1995091 (VCV001995091.4), dbSNP rs2540113868, ClinGen allele CA384543539.
Genomic context (GRCh38, chr12:47,978,758, plus strand): 5'-GAGCACCTTTGGGACCATCTTTTCCAGAAGGACCAGGGGGACCAGGGGGTCCAGGGTTGC[C>T]CTAGAAGGAGAAAATGCGGGAAGTGAGGACTCATCTCACCCTTCCTCATCCAGGCTGCCA-3'
Protein context (NP_001835.3, residues 902-922): AGRVGPPGSN[Gly912Ser]NPGPPGPPGP

ClinVar aggregate classification (germline): Likely pathogenic (1 of 4 stars; one submission).

Submission:

Labcorp Genetics (formerly Invitae), Labcorp
Classification: Likely pathogenic. Last evaluated: 2022-10-18. Review status: criteria provided, single submitter. Criteria: Invitae Variant Classification Sherloc (09022015). Collection method: clinical testing. Allele origin: germline.
Comment: This variant disrupts the triple helix domain of COL2A1. Glycine residues within the Gly-Xaa-Yaa repeats of the triple helix domain are required for the structure and stability of fibrillar collagens (PMID: 7695699, 8218237, 19344236). In COL2A1, variants affecting these glycine residues are significantly enriched in individuals with disease (PMID: 9016532, 17078022) compared to the general population (ExAC). In summary, the currently available evidence indicates that the variant is pathogenic, but additional data are needed to prove that conclusively. Therefore, this variant has been classified as Likely Pathogenic. This variant disrupts the p.Gly912 amino acid residue in COL2A1. Other variant(s) that disrupt this residue have been observed in individuals with COL2A1-related conditions (PMID: 26626311), which suggests that this may be a clinically significant amino acid residue. Algorithms developed to predict the effect of missense changes on protein structure and function are either unavailable or do not agree on the potential impact of this missense change (SIFT: "Deleterious"; PolyPhen-2: "Not Available"; Align-GVGD: "Class C55"). This missense change has been observed in individual(s) with clinical features of autosomal dominant COL2A1-related conditions (Invitae). This variant is not present in population databases (gnomAD no frequency). This sequence change replaces glycine, which is neutral and non-polar, with serine, which is neutral and polar, at codon 912 of the COL2A1 protein (p.Gly912Ser).

Literature cited by the submitters: PubMed 7695699; PubMed 8218237; PubMed 19344236; PubMed 9016532; PubMed 17078022; PubMed 26626311.